The following is an entry in ClinVar:

NM_014915.3(ANKRD26):c.3524T>C (p.Val1175Ala)

Gene: ANKRD26 (ankyrin repeat domain 26; minus strand). Cytogenetic location: 10p12.1.
Variant type: single nucleotide variant.
Coding change: c.3524T>C on transcript NM_014915.3 (MANE Select); coding-DNA position 3524, T replaced by C.
Protein change: p.Val1175Ala; replaces valine 1175 with alanine.
Molecular consequence: missense variant.
Genome position (GRCh38, 1-based): chr10:27,034,926, A>G on the plus strand (T>C on the coding strand, the complement: ANKRD26 is on the minus strand). VCF-style: chr10-27034926-A-G. GRCh37 (hg19) VCF-style: chr10-27323855-A-G.
Other names: c.3521T>C, p.Val1174Ala (NM_001256053.2); short protein forms V1174A, V1175A.
Identifiers: ClinVar variation 2174507 (VCV002174507.8), dbSNP rs748078673, ClinGen allele CA5448025.
Genomic context (GRCh38, chr10:27,034,926, plus strand): 5'-TCCTTATTTCTTTCTTCTAGCAGAAGACTTTGCTTTTCACTCTCAGCTTGAAGTTTTTGC[A>G]CAATAGCATGAAACTGGTCTTGGATATTAATCACTGTCTTCTCTTTATTGTCAGCCTTGT-3'
Protein context (NP_055730.2, residues 1165-1185): INIQDQFHAI[Val1175Ala]QKLQAESEKQ

ClinVar aggregate classification (germline): Uncertain significance. Review status: criteria provided, multiple submitters, no conflicts (2 of 4 stars). 2 submissions from 2 submitters: Uncertain significance (2). Last evaluated 2025-11-08.

Conditions:
Inborn genetic diseases. Identifiers: MedGen C0950123, MeSH D030342.

Allele frequency attached by ClinVar (database versions not stated): gnomAD exomes below 0.00001; ExAC 0.00001; gnomAD 0.00001.
gnomAD v4.1: 5 of 1,613,856 alleles (0.00031%); highest among the groups gnomAD compares: East Asian, 0.0067%; no homozygotes.

Submissions (2):

Ambry Genetics
Classification: Uncertain significance for Inborn genetic diseases. Last evaluated: 2025-11-08. Review status: criteria provided, single submitter. Criteria: Ambry Variant Classification Scheme 2023. Collection method: clinical testing. Allele origin: germline.

Labcorp Genetics (formerly Invitae), Labcorp
Classification: Uncertain significance. Last evaluated: 2024-01-04. Review status: criteria provided, single submitter. Criteria: Invitae Variant Classification Sherloc (09022015). Collection method: clinical testing. Allele origin: germline.
Comment: This sequence change replaces valine, which is neutral and non-polar, with alanine, which is neutral and non-polar, at codon 1175 of the ANKRD26 protein (p.Val1175Ala). This variant is present in population databases (rs748078673, gnomAD 0.006%). This variant has not been reported in the literature in individuals affected with ANKRD26-related conditions. ClinVar contains an entry for this variant (Variation ID: 2174507). An algorithm developed to predict the effect of missense changes on protein structure and function (PolyPhen-2) suggests that this variant is likely to be tolerated. In summary, the available evidence is currently insufficient to determine the role of this variant in disease. Therefore, it has been classified as a Variant of Uncertain Significance.